The following is an entry in ClinVar:

ClinVar aggregate classification (germline): Uncertain significance (1 of 4 stars; one submission).

Conditions:
Aortic aneurysm, familial thoracic 7 (AAT7). Also called: AORTIC DISSECTION, FAMILIAL, WITH OR WITHOUT AORTIC ANEURYSM. Identifiers: MedGen C3151077, MONDO:0013418, OMIM 613780.

Submission:

Labcorp Genetics (formerly Invitae), Labcorp
Classification: Uncertain significance for Aortic aneurysm, familial thoracic 7. Last evaluated: 2025-07-28. Review status: criteria provided, single submitter. Criteria: Invitae Variant Classification Sherloc (09022015). Collection method: clinical testing. Allele origin: germline.
Comment: This sequence change replaces asparagine, which is neutral and polar, with isoleucine, which is neutral and non-polar, at codon 1028 of the MYLK protein (p.Asn1028Ile). This variant is not present in population databases (gnomAD no frequency). This variant has not been reported in the literature in individuals affected with MYLK-related conditions. Invitae Evidence Modeling of protein sequence and biophysical properties (such as structural, functional, and spatial information, amino acid conservation, physicochemical variation, residue mobility, and thermodynamic stability) indicates that this missense variant is not expected to disrupt MYLK protein function with a negative predictive value of 95%. In summary, the available evidence is currently insufficient to determine the role of this variant in disease. Therefore, it has been classified as a Variant of Uncertain Significance.

NM_053025.4(MYLK):c.3083A>T (p.Asn1028Ile)

Gene: MYLK (myosin light chain kinase; minus strand). Cytogenetic location: 3q21.1.
Variant type: single nucleotide variant.
Coding change: c.3083A>T on transcript NM_053025.4 (MANE Select); coding-DNA position 3083, A replaced by T.
Protein change: p.Asn1028Ile; replaces asparagine 1028 with isoleucine.
Molecular consequence: missense variant.
Genome position (GRCh38, 1-based): chr3:123,700,385, T>A on the plus strand (A>T on the coding strand, the complement: MYLK is on the minus strand). VCF-style: chr3-123700385-T-A. GRCh37 (hg19) VCF-style: chr3-123419232-T-A.
Other names: c.2555A>T, p.Asn852Ile (NM_001321309.2); c.2876A>T, p.Asn959Ile (NM_053026.4, NM_053028.4); c.3083A>T, p.Asn1028Ile (NM_053027.4); short protein forms N1028I, N852I, N959I.
Identifiers: ClinVar variation 4801758 (VCV004801758.1).